The following is an entry in ClinVar:

ClinVar aggregate classification (germline): Pathogenic. Review status: criteria provided, multiple submitters, no conflicts (2 of 4 stars). 3 submissions from 3 submitters: Pathogenic (3). Last evaluated 2024-10-07.

Conditions:
Usher syndrome. Also called: Usher Syndromes; Usher's syndrome. Identifiers: Orphanet 886, MedGen CN469326, MeSH D052245, MONDO:0019501. Disease mechanism: loss of function.

Submissions (3):

Dasa
Classification: Pathogenic. Last evaluated: 2024-10-07. Review status: criteria provided, single submitter. Criteria: DASA Assertion Criteria. Collection method: clinical testing. Allele origin: germline.
Comment: NM_022124.6(CDH23):c.1880del (p.Leu627Argfs*10) introduces a premature termination codon predicted to result in loss of normal protein function. Loss-of-function is an established mechanism of disease for this gene. Based on the available data, this variant is classified as pathogenic.

Laboratory of Human Genetics, Universidade de São Paulo
Classification: Pathogenic for Usher syndrome. Last evaluated: 2024-05-01. Review status: criteria provided, single submitter. Criteria: ClinGen HL ACMG Specifications v1. Collection method: research. Allele origin: biparental. Affected: yes. Observed: 1 variant allele.
Comment: The CDH23 NM_022124.5:c.1880delT is a null variant in a gene where loss of function is a known mechanism of disease (PVS1), Extremely low frequency in gnomAD population databases (PM2), For recessive disorders, detected in trans with a pathogenic variant, or in a homozygous or compound heterozygous state in affected cases (PM3),Cosegregation with disease in multiple affected family members in a gene definitively known to cause the disease (PP1).

Labcorp Genetics (formerly Invitae), Labcorp
Classification: Pathogenic. Last evaluated: 2023-08-20. Review status: criteria provided, single submitter. Criteria: Invitae Variant Classification Sherloc (09022015). Collection method: clinical testing. Allele origin: germline.
Comment: For these reasons, this variant has been classified as Pathogenic. This sequence change creates a premature translational stop signal (p.Leu627Argfs*10) in the CDH23 gene. It is expected to result in an absent or disrupted protein product. Loss-of-function variants in CDH23 are known to be pathogenic (PMID: 11138009, 21940737). This variant is not present in population databases (gnomAD no frequency). This variant has not been reported in the literature in individuals affected with CDH23-related conditions.

Literature cited by the submitters: PubMed 11138009 (cited by Labcorp Genetics (formerly Invitae), Labcorp); PubMed 21940737 (cited by Labcorp Genetics (formerly Invitae), Labcorp).

NM_022124.6(CDH23):c.1880del (p.Leu627fs)

Gene: CDH23 (cadherin related 23; plus strand). Cytogenetic location: 10q22.1.
Variant type: Deletion.
Coding change: c.1880del on transcript NM_022124.6 (MANE Select); coding-DNA position 1880, one base deleted (T; older notation c.1880delT).
Protein change: p.Leu627fs; shifts the reading frame from leucine 627.
Molecular consequence: frameshift variant.
Genome position (GRCh38, 1-based): chr10:71,682,466, T deleted. VCF-style (leftmost placement, unchanged base first): chr10-71682465-CT-C. GRCh37 (hg19) VCF-style: chr10-73442222-CT-C.
Other names: c.1880del, p.Leu627fs (NM_001171930.2, NM_001171931.2); c.[1880delT] (NM_022124.5); c.1880delT (NM_022124.5); short protein forms L627fs.
Identifiers: ClinVar variation 2776109 (VCV002776109.6), dbSNP rs2493960610, ClinGen allele CA2739275783.
Genomic context (GRCh38, chr10:71,682,465, plus strand): 5'-TCTGCTTACAGAGGGATCTGGCCTGTTCCTGTCATTGCAGTGATCAGCGTCAGTCGCCCC[CT>C]GGATTATGAACAGATATCCAATGGGCTGATTTATCTGACGGTCATGGCCATGGATGCTGG-3'